The following is an entry in ClinVar:

ClinVar aggregate classification (germline): Uncertain significance (1 of 4 stars; one submission).

Submission:

Labcorp Genetics (formerly Invitae), Labcorp
Classification: Uncertain significance. Last evaluated: 2025-06-27. Review status: criteria provided, single submitter. Criteria: Invitae Variant Classification Sherloc (09022015). Collection method: clinical testing. Allele origin: germline.
Comment: This sequence change replaces glutamic acid, which is acidic and polar, with aspartic acid, which is acidic and polar, at codon 1318 of the TET2 protein (p.Glu1318Asp). This variant also falls at the last nucleotide of exon 7, which is part of the consensus splice site for this exon. This variant is not present in population databases (gnomAD no frequency). This variant has not been reported in the literature in individuals affected with TET2-related conditions. ClinVar contains an entry for this variant (Variation ID: 3641016). An algorithm developed to predict the effect of missense changes on protein structure and function (PolyPhen-2) suggests that this variant is likely to be disruptive. Variants that disrupt the consensus splice site are a relatively common cause of aberrant splicing (PMID: 17576681, 9536098). Algorithms developed to predict the effect of sequence changes on RNA splicing suggest that this variant may disrupt the consensus splice site. In summary, the available evidence is currently insufficient to determine the role of this variant in disease. Therefore, it has been classified as a Variant of Uncertain Significance.

Literature cited by the submitters: PubMed 17576681; PubMed 9536098.

NM_001127208.3(TET2):c.3954G>T (p.Glu1318Asp)

Genes: TET2 (tet methylcytosine dioxygenase 2; plus strand), TET2-AS1 (TET2 antisense RNA 1; minus strand). Cytogenetic location: 4q24.
Variant type: single nucleotide variant.
Coding change: c.3954G>T on transcript NM_001127208.3 (MANE Select); coding-DNA position 3954, G replaced by T.
Protein change: p.Glu1318Asp; replaces glutamic acid 1318 with aspartic acid.
Molecular consequence: missense variant.
Genome position (GRCh38, 1-based): chr4:105,259,769, G>T. VCF-style: chr4-105259769-G-T. GRCh37 (hg19) VCF-style: chr4-106180926-G-T.
Other names: short protein forms E1318D.
Identifiers: ClinVar variation 3641016 (VCV003641016.2).